The following is an entry in ClinVar:

ClinVar aggregate classification (germline): Uncertain significance (1 of 4 stars; one submission).

Conditions:
Combined immunodeficiency due to OX40 deficiency. Also called: OX40 DEFICIENCY; Immunodeficiency 16. Identifiers: Orphanet 431149, MedGen C3810053, MONDO:0014268, OMIM 615593.

Allele frequency attached by ClinVar (database versions not stated): ExAC 0.00008.

Submission:

Labcorp Genetics (formerly Invitae), Labcorp
Classification: Uncertain significance for Combined immunodeficiency due to OX40 deficiency. Last evaluated: 2022-05-29. Review status: criteria provided, single submitter. Criteria: Invitae Variant Classification Sherloc (09022015). Collection method: clinical testing. Allele origin: germline.
Comment: This sequence change replaces alanine, which is neutral and non-polar, with valine, which is neutral and non-polar, at codon 214 of the TNFRSF4 protein (p.Ala214Val). The frequency data for this variant in the population databases is considered unreliable, as metrics indicate poor data quality at this position in the gnomAD database. This variant has not been reported in the literature in individuals affected with TNFRSF4-related conditions. Algorithms developed to predict the effect of missense changes on protein structure and function output the following: SIFT: "Tolerated"; PolyPhen-2: "Benign"; Align-GVGD: "Class C0". The valine amino acid residue is found in multiple mammalian species, which suggests that this missense change does not adversely affect protein function. In summary, the available evidence is currently insufficient to determine the role of this variant in disease. Therefore, it has been classified as a Variant of Uncertain Significance.

NM_003327.4(TNFRSF4):c.641C>T (p.Ala214Val)

Gene: TNFRSF4 (TNF receptor superfamily member 4; minus strand). Cytogenetic location: 1p36.33.
Variant type: single nucleotide variant.
Coding change: c.641C>T on transcript NM_003327.4 (MANE Select); coding-DNA position 641, C replaced by T.
Protein change: p.Ala214Val; replaces alanine 214 with valine.
Molecular consequence: missense variant.
Genome position (GRCh38, 1-based): chr1:1,211,826, G>A on the plus strand (C>T on the coding strand, the complement: TNFRSF4 is on the minus strand). VCF-style: chr1-1211826-G-A. GRCh37 (hg19) VCF-style: chr1-1147206-G-A.
Other names: c.641C>T, p.Ala214Val (NM_001410709.1); short protein forms A214V.
Identifiers: ClinVar variation 2167114 (VCV002167114.4), dbSNP rs766128478, ClinGen allele CA512377.